The following is an entry in ClinVar:

ClinVar aggregate classification (germline): Pathogenic/Likely pathogenic. Review status: criteria provided, multiple submitters, no conflicts (2 of 4 stars). 2 submissions from 2 submitters: Pathogenic (1); Likely pathogenic (1). Last evaluated 2025-09-10.

Conditions:
Congenital microcephaly - severe encephalopathy - progressive cerebral atrophy syndrome. Also called: ASNS DEFICIENCY; Asparagine synthetase deficiency. Identifiers: Orphanet 391376, MedGen C3809971, MONDO:0014258, OMIM 615574.

Allele frequency attached by ClinVar (database versions not stated): TOPMed below 0.00001.

Submissions (2):

Labcorp Genetics (formerly Invitae), Labcorp
Classification: Pathogenic. Last evaluated: 2025-09-10. Review status: criteria provided, single submitter. Criteria: Invitae Variant Classification Sherloc (09022015). Collection method: clinical testing. Allele origin: germline.
Comment: This sequence change creates a premature translational stop signal (p.Gln486*) in the ASNS gene. It is expected to result in an absent or disrupted protein product. Loss-of-function variants in ASNS are known to be pathogenic (PMID: 27422383, 30057589). This variant is not present in population databases (gnomAD no frequency). This variant has not been reported in the literature in individuals affected with ASNS-related conditions. ClinVar contains an entry for this variant (Variation ID: 838098). For these reasons, this variant has been classified as Pathogenic.

Natera, Inc.
Classification: Likely pathogenic for Asparagine synthetase deficiency. Last evaluated: 2025-06-19. Review status: criteria provided, single submitter. Criteria: Natera Variant Classification Schema (03/2026). Collection method: clinical testing. Allele origin: germline.
Comment: The c.1456C>T variant in ASNS is a nonsense variant predicted to introduce a stop codon at amino acid 486. This variant is expected to result in nonsense mediated decay, truncation, or a dysfunctional protein product. This variant is rare in the general population with a frequency below the threshold expected for the associated phenotype(s). Given the available evidence, this variant is classified as Likely Pathogenic.

Literature cited by the submitters: PubMed 27422383 (cited by Labcorp Genetics (formerly Invitae), Labcorp); PubMed 30057589 (cited by Labcorp Genetics (formerly Invitae), Labcorp).

NM_001673.5(ASNS):c.1456C>T (p.Gln486Ter)

Genes: ASNS (asparagine synthetase (glutamine-hydrolyzing); minus strand), CZ1P-ASNS (CZ1P-ASNS readthrough; minus strand). Cytogenetic location: 7q21.3.
Variant type: single nucleotide variant.
Coding change: c.1456C>T on transcript NM_001673.5 (MANE Select); coding-DNA position 1456, C replaced by T.
Protein change: p.Gln486Ter; replaces glutamine 486 with a stop codon.
Molecular consequence: nonsense. On other transcripts: non-coding transcript variant (1).
Genome position (GRCh38, 1-based): chr7:97,853,080, G>A on the plus strand (C>T on the coding strand, the complement: ASNS is on the minus strand). VCF-style: chr7-97853080-G-A. GRCh37 (hg19) VCF-style: chr7-97482392-G-A.
Other names: c.1456C>T, p.Gln486Ter (NM_133436.3, NM_001352496.2, NM_183356.4); c.1393C>T, p.Gln465Ter (NM_001178075.2); c.1207C>T, p.Gln403Ter (NM_001178076.2, NM_001178077.1); short protein forms Q486*, Q465*, Q403*.
Identifiers: ClinVar variation 838098 (VCV000838098.8), dbSNP rs1791259662, ClinGen allele CA368264464.